The following is an entry in ClinVar:

NM_018136.5(ASPM):c.4964T>G (p.Ile1655Ser)

Gene: ASPM (assembly factor for spindle microtubules; minus strand). Cytogenetic location: 1q31.3.
Variant type: single nucleotide variant.
Coding change: c.4964T>G on transcript NM_018136.5 (MANE Select); coding-DNA position 4964, T replaced by G.
Protein change: p.Ile1655Ser; replaces isoleucine 1655 with serine.
Molecular consequence: missense variant. On other transcripts: intron variant (1).
Genome position (GRCh38, 1-based): chr1:197,104,287, A>C on the plus strand (T>G on the coding strand, the complement: ASPM is on the minus strand). VCF-style: chr1-197104287-A-C. GRCh37 (hg19) VCF-style: chr1-197073417-A-C.
Other names: c.4066-8123T>G (NM_001206846.2); c.4964T>G (NM_018136.4); short protein forms I1655S.
Identifiers: ClinVar variation 1481514 (VCV001481514.7), dbSNP rs531576469, ClinGen allele CA1309836.

ClinVar aggregate classification (germline): Uncertain significance. Review status: criteria provided, multiple submitters, no conflicts (2 of 4 stars). 2 submissions from 2 submitters: Uncertain significance (2). Last evaluated 2024-10-12.

Conditions:
Inborn genetic diseases. Identifiers: MedGen C0950123, MeSH D030342.

Allele frequency attached by ClinVar (database versions not stated): gnomAD 0.00001 and 0.00002; TOPMed 0.00003; 1000 Genomes Project 30x 0.00016; 1000 Genomes Project 0.00020.
gnomAD v4.1: 22 of 1,613,092 alleles (0.0014%); highest among the groups gnomAD compares: East Asian, 0.049%; no homozygotes.

Submissions (2):

Ambry Genetics
Classification: Uncertain significance for Inborn genetic diseases. Last evaluated: 2024-10-12. Review status: criteria provided, single submitter. Criteria: Ambry Variant Classification Scheme 2023. Collection method: clinical testing. Allele origin: germline.

Labcorp Genetics (formerly Invitae), Labcorp
Classification: Uncertain significance. Last evaluated: 2021-10-07. Review status: criteria provided, single submitter. Criteria: Invitae Variant Classification Sherloc (09022015). Collection method: clinical testing. Allele origin: germline.
Comment: In summary, the available evidence is currently insufficient to determine the role of this variant in disease. Therefore, it has been classified as a Variant of Uncertain Significance. Algorithms developed to predict the effect of sequence changes on RNA splicing suggest that this variant may create or strengthen a splice site. Algorithms developed to predict the effect of missense changes on protein structure and function output the following: SIFT: "Deleterious"; PolyPhen-2: "Benign"; Align-GVGD: "Class C15". The serine amino acid residue is found in multiple mammalian species, which suggests that this missense change does not adversely affect protein function. This variant has not been reported in the literature in individuals affected with ASPM-related conditions. This variant is present in population databases (rs531576469, ExAC 0.08%). This sequence change replaces isoleucine with serine at codon 1655 of the ASPM protein (p.Ile1655Ser). The isoleucine residue is moderately conserved and there is a large physicochemical difference between isoleucine and serine.